The following is an entry in ClinVar:

NM_018972.4(GDAP1):c.695-3T>C

Gene: GDAP1 (ganglioside induced differentiation associated protein 1; plus strand). Cytogenetic location: 8q21.11.
Variant type: single nucleotide variant.
Coding change: c.695-3T>C on transcript NM_018972.4 (MANE Select); 3 bases into the intron before coding-DNA position 695, T replaced by C.
Molecular consequence: intron variant.
Genome position (GRCh38, 1-based): chr8:74,363,982, T>C. VCF-style: chr8-74363982-T-C. GRCh37 (hg19) VCF-style: chr8-75276217-T-C.
Other names: c.694+929T>C (NM_001362931.2); c.521-3T>C (NM_001362930.2); c.368-3T>C (NM_001362929.2, NM_001362932.2); c.491-3T>C (NM_001040875.4).
Identifiers: ClinVar variation 3663629 (VCV003663629.2).
Genomic context (GRCh38, chr8:74,363,982, plus strand): 5'-ACCAGCTGGAGTCTGTCTGTAGAGTGCTTGCCTCTAATTCTCTATGTCCCTTTCTCTAAT[T>C]AGAAGAGGGCCAGCAACCTTGGCTCTGCGGTGAATCCTTCACCCTGGCAGACGTCTCACT-3'

ClinVar aggregate classification (germline): Uncertain significance (1 of 4 stars; one submission).

Conditions:
Charcot-Marie-Tooth disease type 4A. Also called: Charcot-Marie-Tooth disease, demyelinating, autosomal recessive, type 4a. Identifiers: Orphanet 99948, MedGen C1859198, MONDO:0008961, OMIM 214400.

Submission:

Labcorp Genetics (formerly Invitae), Labcorp
Classification: Uncertain significance for Charcot-Marie-Tooth disease type 4A. Last evaluated: 2024-08-28. Review status: criteria provided, single submitter. Criteria: Invitae Variant Classification Sherloc (09022015). Collection method: clinical testing. Allele origin: germline.
Comment: This sequence change falls in intron 5 of the GDAP1 gene. It does not directly change the encoded amino acid sequence of the GDAP1 protein. It affects a nucleotide within the consensus splice site. This variant is not present in population databases (gnomAD no frequency). This variant has not been reported in the literature in individuals affected with GDAP1-related conditions. Variants that disrupt the consensus splice site are a relatively common cause of aberrant splicing (PMID: 17576681, 9536098). Algorithms developed to predict the effect of sequence changes on RNA splicing suggest that this variant is not likely to affect RNA splicing. In summary, the available evidence is currently insufficient to determine the role of this variant in disease. Therefore, it has been classified as a Variant of Uncertain Significance.

Literature cited by the submitters: PubMed 17576681; PubMed 9536098.